The following is an entry in ClinVar:

ClinVar aggregate classification (germline): Uncertain significance (1 of 4 stars; one submission).

Submission:

Labcorp Genetics (formerly Invitae), Labcorp
Classification: Uncertain significance. Last evaluated: 2026-02-03. Review status: criteria provided, single submitter. Criteria: Invitae Variant Classification Sherloc (09022015). Collection method: clinical testing. Allele origin: germline.
Comment: This sequence change falls in intron 4 of the ALPK3 gene. It does not directly change the encoded amino acid sequence of the ALPK3 protein. It affects a nucleotide within the consensus splice site. This variant is not present in population databases (gnomAD no frequency). This variant has not been reported in the literature in individuals affected with ALPK3-related conditions. Variants that disrupt the consensus splice site are a relatively common cause of aberrant splicing (PMID: 17576681, 9536098). Algorithms developed to predict the effect of sequence changes on RNA splicing suggest that this variant is not likely to affect RNA splicing. In summary, the available evidence is currently insufficient to determine the role of this variant in disease. Therefore, it has been classified as a Variant of Uncertain Significance.

Literature cited by the submitters: PubMed 17576681; PubMed 9536098.

NM_020778.5(ALPK3):c.422+3G>A

Gene: ALPK3 (alpha kinase 3; plus strand). Cytogenetic location: 15q25.3.
Variant type: single nucleotide variant.
Coding change: c.422+3G>A on transcript NM_020778.5 (MANE Select); 3 bases into the intron after coding-DNA position 422, G replaced by A.
Molecular consequence: intron variant.
Genome position (GRCh38, 1-based): chr15:84,839,100, G>A. VCF-style: chr15-84839100-G-A. GRCh37 (hg19) VCF-style: chr15-85382331-G-A.
Identifiers: ClinVar variation 4798643 (VCV004798643.1).
Genomic context (GRCh38, chr15:84,839,100, plus strand): 5'-GCTTGCCAAAATATGAGATCACTCATCAGGGCAACCGCCACACACTGCAGCTGTACAGGT[G>A]AGGGAGAAGGGCCTGTTTTGCTCTCTCTGCCCTCCCGAGGGCCCTCTGGCTGGGGTCCTG-3'